The following is an entry in ClinVar:

NM_001009944.3(PKD1):c.11471del (p.Gly3824fs)

Genes: PKD1 (polycystin 1, transient receptor potential channel interacting; minus strand), PKD1-AS1 (PKD1 antisense RNA 1; plus strand). Cytogenetic location: 16p13.3.
Variant type: Deletion.
Coding change: c.11471del on transcript NM_001009944.3 (MANE Select); coding-DNA position 11471, one base deleted (G; older notation c.11471delG).
Protein change: p.Gly3824fs; shifts the reading frame from glycine 3824.
Molecular consequence: frameshift variant.
Genome position (GRCh38, 1-based): chr16:2,091,847, C deleted on the plus strand (G on the coding strand, the reverse complement: PKD1 is on the minus strand); the first of 3 consecutive C bases (chr16:2,091,847-2,091,849); deleting any one gives the same sequence. VCF-style (leftmost placement, unchanged base first): chr16-2091846-GC-G. GRCh37 (hg19) VCF-style: chr16-2141847-GC-G.
Other names: c.11468del, p.Gly3823fs (NM_000296.4); short protein forms G3823fs, G3824fs.
Identifiers: ClinVar variation 1807305 (VCV001807305.1), dbSNP rs2544620523, ClinGen allele CA2580091194.

ClinVar aggregate classification (germline): Pathogenic (1 of 4 stars; one submission).

Submission:

Athena Diagnostics
Classification: Pathogenic. Last evaluated: 2021-06-17. Review status: criteria provided, single submitter. Criteria: Athena Diagnostics Criteria. Collection method: clinical testing. Allele origin: unknown.
Comment: This variant is expected to result in the loss of a functional protein. This variant has not been reported in large, multi-ethnic general populations. This variant has been identified in at least one individual tested at Athena Diagnostics with clinical features associated with this gene.